The following is an entry in ClinVar:

NM_000038.6(APC):c.2587T>C (p.Tyr863His)

Gene: APC (APC regulator of Wnt signaling pathway; plus strand). Cytogenetic location: 5q22.2.
Variant type: single nucleotide variant.
Coding change: c.2587T>C on transcript NM_000038.6 (MANE Select); coding-DNA position 2587, T replaced by C.
Protein change: p.Tyr863His; replaces tyrosine 863 with histidine.
Molecular consequence: missense variant. On other transcripts: non-coding transcript variant (2).
Genome position (GRCh38, 1-based): chr5:112,838,181, T>C. VCF-style: chr5-112838181-T-C. GRCh37 (hg19) VCF-style: chr5-112173878-T-C.
Other names: c.2107T>C, p.Tyr703His (NM_001354905.2); c.1738T>C, p.Tyr580His (NM_001354906.2, NM_001407470.1); c.2671T>C, p.Tyr891His (NM_001407446.1); c.2641T>C, p.Tyr881His (NM_001407447.1, NM_001407448.1, NM_001407449.1 and 1 more transcripts); c.2587T>C, p.Tyr863His (NM_001407450.1, NM_001127510.3, NM_001354895.2); c.2566T>C, p.Tyr856His (NM_001407451.1); c.2557T>C, p.Tyr853His (NM_001407452.1); c.1435T>C, p.Tyr479His (NM_001407471.1, NM_001407472.1); and 12 more; short protein forms Y845H, Y881H, Y891H, Y580H, Y703H, Y780H, Y804H, Y835H.
Identifiers: ClinVar variation 3635430 (VCV003635430.3).

ClinVar aggregate classification (germline): Uncertain significance. Review status: criteria provided, multiple submitters, no conflicts (2 of 4 stars). 2 submissions from 2 submitters: Uncertain significance (2). Last evaluated 2026-07-24.

Conditions:
Familial adenomatous polyposis 1 (FAP1). Also called: FAMILIAL ADENOMATOUS POLYPOSIS 1, ATTENUATED; POLYPOSIS, ADENOMATOUS INTESTINAL. Identifiers: MedGen C2713442, MONDO:0021056, OMIM 175100. Disease mechanism: loss of function.
Hereditary cancer-predisposing syndrome. Also called: Hereditary neoplastic syndrome; Neoplastic Syndromes, Hereditary; Tumor predisposition; Hereditary Cancer Syndrome. Identifiers: Orphanet 140162, MedGen C0027672, MeSH D009386, MONDO:0015356.

Submissions (2):

Ambry Genetics
Classification: Uncertain significance for Hereditary cancer-predisposing syndrome. Last evaluated: 2026-07-24. Review status: criteria provided, single submitter. Criteria: Ambry Variant Classification Scheme 2023. Collection method: clinical testing. Allele origin: germline.
Comment: The p.Y863H variant (also known as c.2587T>C), located in coding exon 15 of the APC gene, results from a T to C substitution at nucleotide position 2587. The tyrosine at codon 863 is replaced by histidine, an amino acid with similar properties. This amino acid position is conserved. In addition, in silico predictors for this gene do not accurately predict pathogenicity. Based on the available evidence, the clinical significance of this variant remains unclear.

Labcorp Genetics (formerly Invitae), Labcorp
Classification: Uncertain significance for Familial adenomatous polyposis 1. Last evaluated: 2024-11-18. Review status: criteria provided, single submitter. Criteria: Invitae Variant Classification Sherloc (09022015). Collection method: clinical testing. Allele origin: germline.
Comment: This sequence change replaces tyrosine, which is neutral and polar, with histidine, which is basic and polar, at codon 863 of the APC protein (p.Tyr863His). This variant is not present in population databases (gnomAD no frequency). This variant has not been reported in the literature in individuals affected with APC-related conditions. Invitae Evidence Modeling of protein sequence and biophysical properties (such as structural, functional, and spatial information, amino acid conservation, physicochemical variation, residue mobility, and thermodynamic stability) indicates that this missense variant is not expected to disrupt APC protein function with a negative predictive value of 95%. In summary, the available evidence is currently insufficient to determine the role of this variant in disease. Therefore, it has been classified as a Variant of Uncertain Significance.